The following is an entry in ClinVar:

ClinVar aggregate classification (germline): Uncertain significance. Review status: criteria provided, multiple submitters, no conflicts (2 of 4 stars). 2 submissions from 2 submitters: Uncertain significance (2). Last evaluated 2025-04-19.

Conditions:
Inborn genetic diseases. Identifiers: MedGen C0950123, MeSH D030342.
Saldino-Mainzer syndrome (SRTD9). Also called: CONORENAL SYNDROME; Renal dysplasia, retinal pigmentary dystrophy, cerebellar ataxia and skeletal dysplasia; short-rib thoracic dysplasia 9 with or without polydactyly; SHORT-RIB THORACIC DYSPLASIA 9 WITHOUT POLYDACTYLY. Identifiers: Orphanet 140969, MedGen C1849437, MONDO:0009964, OMIM 266920.

Allele frequency attached by ClinVar (database versions not stated): TOPMed 0.00001; gnomAD 0.00002; ExAC 0.00003.
gnomAD v4.1: 26 of 1,613,628 alleles (0.0016%); highest among the groups gnomAD compares: South Asian, 0.013%; no homozygotes.

Submissions (2):

Labcorp Genetics (formerly Invitae), Labcorp
Classification: Uncertain significance for Saldino-Mainzer syndrome. Last evaluated: 2025-04-19. Review status: criteria provided, single submitter. Criteria: Invitae Variant Classification Sherloc (09022015). Collection method: clinical testing. Allele origin: germline.
Comment: This sequence change replaces aspartic acid, which is acidic and polar, with asparagine, which is neutral and polar, at codon 1131 of the IFT140 protein (p.Asp1131Asn). This variant is present in population databases (rs760278869, gnomAD 0.02%). This variant has not been reported in the literature in individuals affected with IFT140-related conditions. ClinVar contains an entry for this variant (Variation ID: 3108369). Invitae Evidence Modeling of protein sequence and biophysical properties (such as structural, functional, and spatial information, amino acid conservation, physicochemical variation, residue mobility, and thermodynamic stability) indicates that this missense variant is not expected to disrupt IFT140 protein function with a negative predictive value of 80%. In summary, the available evidence is currently insufficient to determine the role of this variant in disease. Therefore, it has been classified as a Variant of Uncertain Significance.

Ambry Genetics
Classification: Uncertain significance for Inborn genetic diseases. Last evaluated: 2023-11-02. Review status: criteria provided, single submitter. Criteria: Ambry Variant Classification Scheme 2023. Collection method: clinical testing. Allele origin: germline.

NM_014714.4(IFT140):c.3391G>A (p.Asp1131Asn)

Gene: IFT140 (intraflagellar transport 140; minus strand). Cytogenetic location: 16p13.3.
Variant type: single nucleotide variant.
Coding change: c.3391G>A on transcript NM_014714.4 (MANE Select); coding-DNA position 3391, G replaced by A.
Protein change: p.Asp1131Asn; replaces aspartic acid 1131 with asparagine.
Molecular consequence: missense variant.
Genome position (GRCh38, 1-based): chr16:1,523,580, C>T on the plus strand (G>A on the coding strand, the complement: IFT140 is on the minus strand). VCF-style: chr16-1523580-C-T. GRCh37 (hg19) VCF-style: chr16-1573581-C-T.
Other names: short protein forms D1131N.
Identifiers: ClinVar variation 3108369 (VCV003108369.2), dbSNP rs760278869, ClinGen allele CA7813188.